The following is an entry in ClinVar:

NM_052854.4(CREB3L1):c.1429G>A (p.Glu477Lys)

Gene: CREB3L1 (cAMP responsive element binding protein 3 like 1; plus strand). Cytogenetic location: 11p11.2.
Variant type: single nucleotide variant.
Coding change: c.1429G>A on transcript NM_052854.4 (MANE Select); coding-DNA position 1429, G replaced by A.
Protein change: p.Glu477Lys; replaces glutamic acid 477 with lysine.
Molecular consequence: missense variant.
Genome position (GRCh38, 1-based): chr11:46,320,434, G>A. VCF-style: chr11-46320434-G-A. GRCh37 (hg19) VCF-style: chr11-46341985-G-A.
Other names: c.1429G>A (NM_052854.2); short protein forms E477K.
Identifiers: ClinVar variation 1391326 (VCV001391326.7), dbSNP rs761152012, ClinGen allele CA5961879.

ClinVar aggregate classification (germline): Uncertain significance. Review status: criteria provided, multiple submitters, no conflicts (2 of 4 stars). 2 submissions from 2 submitters: Uncertain significance (2). Last evaluated 2024-08-24.

Conditions:
Inborn genetic diseases. Identifiers: MedGen C0950123, MeSH D030342.

Allele frequency attached by ClinVar (database versions not stated): gnomAD exomes 0.00002 and 0.00009; gnomAD 0.00003; TOPMed 0.00005; ExAC 0.00007.

Submissions (2):

Labcorp Genetics (formerly Invitae), Labcorp
Classification: Uncertain significance. Last evaluated: 2024-08-24. Review status: criteria provided, single submitter. Criteria: Invitae Variant Classification Sherloc (09022015). Collection method: clinical testing. Allele origin: germline.
Comment: This sequence change replaces glutamic acid, which is acidic and polar, with lysine, which is basic and polar, at codon 477 of the CREB3L1 protein (p.Glu477Lys). This variant is present in population databases (rs761152012, gnomAD 0.09%). This variant has not been reported in the literature in individuals affected with CREB3L1-related conditions. ClinVar contains an entry for this variant (Variation ID: 1391326). An algorithm developed to predict the effect of missense changes on protein structure and function (PolyPhen-2) suggests that this variant is likely to be disruptive. In summary, the available evidence is currently insufficient to determine the role of this variant in disease. Therefore, it has been classified as a Variant of Uncertain Significance.

Ambry Genetics
Classification: Uncertain significance for Inborn genetic diseases. Last evaluated: 2023-05-03. Review status: criteria provided, single submitter. Criteria: Ambry Variant Classification Scheme 2023. Collection method: clinical testing. Allele origin: germline.